The following is an entry in ClinVar:

ClinVar aggregate classification (germline): Pathogenic. Review status: criteria provided, multiple submitters, no conflicts (2 of 4 stars). 3 submissions from 3 submitters: Pathogenic (3). Last evaluated 2024-09-10.

Conditions:
Hereditary nonpolyposis colorectal neoplasms. Identifiers: MedGen C0009405, MeSH D003123.
Hereditary cancer-predisposing syndrome. Also called: Tumor predisposition; Hereditary neoplastic syndrome; Neoplastic Syndromes, Hereditary; Hereditary Cancer Syndrome. Identifiers: Orphanet 140162, MedGen C0027672, MeSH D009386, MONDO:0015356.
Lynch syndrome 5 (LYNCH5). Also called: Colorectal cancer, hereditary nonpolyposis, type 5; Hereditary non-polyposis colorectal cancer, type 5. Identifiers: Orphanet 144, MedGen C1833477, MONDO:0013710, OMIM 614350. Disease mechanism: loss of function.

Submissions (3):

Ambry Genetics
Classification: Pathogenic for Hereditary cancer-predisposing syndrome. Last evaluated: 2024-09-10. Review status: criteria provided, single submitter. Criteria: Ambry Variant Classification Scheme 2023. Collection method: clinical testing. Allele origin: germline.
Comment: The c.1173delT pathogenic mutation, located in coding exon 4 of the MSH6 gene, results from a deletion of one nucleotide at nucleotide position 1173, causing a translational frameshift with a predicted alternate stop codon (p.F391Lfs*20). This alteration has been reported in individuals with personal and/or family histories of Lynch syndrome associated cancers (Lee K et al. Am J Ophthalmol, 2015 Aug;160:354-363.e9; Rubio I et al. Oncology, 2016 Jul;91:171-6). This variant is considered to be rare based on population cohorts in the Genome Aggregation Database (gnomAD). In addition to the clinical data presented in the literature, this alteration is expected to result in loss of function by premature protein truncation or nonsense-mediated mRNA decay. As such, this alteration is interpreted as a disease-causing mutation.

Labcorp Genetics (formerly Invitae), Labcorp
Classification: Pathogenic for Hereditary nonpolyposis colorectal neoplasms. Last evaluated: 2024-02-03. Review status: criteria provided, single submitter. Criteria: Invitae Variant Classification Sherloc (09022015). Collection method: clinical testing. Allele origin: germline.
Comment: This sequence change creates a premature translational stop signal (p.Phe391Leufs*20) in the MSH6 gene. It is expected to result in an absent or disrupted protein product. Loss-of-function variants in MSH6 are known to be pathogenic (PMID: 18269114, 24362816). This variant is not present in population databases (gnomAD no frequency). This variant has not been reported in the literature in individuals affected with MSH6-related conditions. For these reasons, this variant has been classified as Pathogenic.

Myriad Genetics, Inc.
Classification: Pathogenic for Lynch syndrome 5. Last evaluated: 2023-08-11. Review status: criteria provided, single submitter. Criteria: Myriad Autosomal Dominant, Autosomal Recessive and X-Linked Classification Criteria (2023). Collection method: clinical testing. Allele origin: unknown.
Comment: This variant is considered pathogenic. This variant creates a frameshift predicted to result in premature protein truncation.

Literature cited by the submitters: PubMed 25910913 (cited by Ambry Genetics); PubMed 27398995 (cited by Ambry Genetics); PubMed 18269114 (cited by Labcorp Genetics (formerly Invitae), Labcorp); PubMed 24362816 (cited by Labcorp Genetics (formerly Invitae), Labcorp).

NM_000179.3(MSH6):c.1173del (p.Phe391fs)

Gene: MSH6 (mutS homolog 6; plus strand). Cytogenetic location: 2p16.3.
Variant type: Deletion.
Coding change: c.1173del on transcript NM_000179.3 (MANE Select); coding-DNA position 1173, one base deleted (T; older notation c.1173delT).
Protein change: p.Phe391fs; shifts the reading frame from phenylalanine 391.
Molecular consequence: frameshift variant. On other transcripts: non-coding transcript variant (4), intron variant (1).
Genome position (GRCh38, 1-based): chr2:47,799,156, T deleted; the last of 4 consecutive T bases (chr2:47,799,153-47,799,156); deleting any one gives the same sequence. VCF-style (leftmost placement, unchanged base first): chr2-47799152-AT-A. GRCh37 (hg19) VCF-style: chr2-48026291-AT-A.
Other names: c.783del, p.Phe261fs (NM_001281492.2); c.267del, p.Phe89fs (NM_001281493.2, NM_001281494.2, NM_001406811.1 and 6 more transcripts); c.1269del, p.Phe423fs (NM_001406795.1, NM_001406802.1); c.1173del, p.Phe391fs (NM_001406796.1, NM_001406798.1, NM_001406800.1 and 4 more transcripts); c.876del, p.Phe292fs (NM_001406797.1, NM_001406801.1, NM_001406805.1 and 10 more transcripts); c.648del, p.Phe216fs (NM_001406799.1, NM_001406806.1, NM_001406807.1); c.1095del, p.Phe365fs (NM_001406804.1); c.1179del, p.Phe393fs (NM_001406813.1); and 2 more; short protein forms F261fs, F292fs, F335fs, F365fs, F391fs, F393fs, F423fs, F89fs.
Identifiers: ClinVar variation 2673654 (VCV002673654.4), dbSNP rs2530594396, ClinGen allele CA913187324.
Genomic context (GRCh38, chr2:47,799,152, plus strand): 5'-TAGAATGGCTTAAGGAGGAAAAGAGAAGAGATGAGCACAGGAGGAGGCCTGATCACCCCG[AT>A]TTTGATGCATCTACACTCTATGTGCCTGAGGATTTCCTCAATTCTTGTACTCCTGGGATG-3'